The following is an entry in ClinVar:

ClinVar aggregate classification (germline): Uncertain significance. Review status: criteria provided, multiple submitters, no conflicts (2 of 4 stars). 3 submissions from 3 submitters: Uncertain significance (3). Last evaluated 2026-04-29.

Conditions:
IMPG2-related disorder. Also called: IMPG2-related condition.

Submissions (3):

PreventionGenetics, part of Exact Sciences
Classification: Uncertain significance for IMPG2-related condition. Last evaluated: 2026-04-29. Review status: criteria provided, single submitter. Criteria: ACMG Guidelines, 2015. Collection method: clinical testing. Allele origin: germline.
Comment: The IMPG2 c.1301_1303delCAC variant is predicted to result in an in-frame deletion (p.Pro434del). To our knowledge, this variant has not been reported in the literature. This variant is reported in 0.00088% of alleles in individuals of European (Non-Finnish) descent in gnomAD. At this time, the clinical significance of this variant is uncertain due to the absence of conclusive functional and genetic evidence.

Blueprint Genetics
Classification: Uncertain significance. Last evaluated: 2024-07-15. Review status: criteria provided, single submitter. Criteria: ACMG Guidelines, 2015. Collection method: clinical testing. Allele origin: germline.

Labcorp Genetics (formerly Invitae), Labcorp
Classification: Uncertain significance. Last evaluated: 2022-05-03. Review status: criteria provided, single submitter. Criteria: Invitae Variant Classification Sherloc (09022015). Collection method: clinical testing. Allele origin: germline.
Comment: This variant, c.1301_1303del, results in the deletion of 1 amino acid(s) of the IMPG2 protein (p.Pro434del), but otherwise preserves the integrity of the reading frame. This variant is present in population databases (rs776953424, gnomAD 0.0009%). This variant has not been reported in the literature in individuals affected with IMPG2-related conditions. ClinVar contains an entry for this variant (Variation ID: 961278). Experimental studies and prediction algorithms are not available or were not evaluated, and the functional significance of this variant is currently unknown. In summary, the available evidence is currently insufficient to determine the role of this variant in disease. Therefore, it has been classified as a Variant of Uncertain Significance.

NM_016247.4(IMPG2):c.1298CAC[1] (p.Pro434del)

Gene: IMPG2 (interphotoreceptor matrix proteoglycan 2; minus strand). Cytogenetic location: 3q12.3.
Variant type: Microsatellite.
Coding change: c.1298CAC[1] on transcript NM_016247.4 (MANE Select); one copy of the 3-base unit CAC starting at c.1298; the reference has two copies in a row; one copy, 3 bases deleted.
Protein change: p.Pro434del; deletes proline 434.
Molecular consequence: inframe deletion.
Genome position (GRCh38, 1-based): chr3:101,246,042-101,246,044, GTG deleted on the plus strand (CAC on the coding strand, the reverse complement: IMPG2 is on the minus strand); deleting any 3 consecutive bases within chr3:101,246,042-101,246,048 gives the same sequence; the position shown is the placement nearest the transcript's 3' end. VCF-style (leftmost placement, unchanged base first): chr3-101246041-AGTG-A. GRCh37 (hg19) VCF-style: chr3-100964885-AGTG-A.
Other names: c.1301_1303delCAC (NM_016247.3); short protein forms P434del.
Identifiers: ClinVar variation 961278 (VCV000961278.9), dbSNP rs776953424, ClinGen allele CA2519196.